The following is an entry in ClinVar:

NM_201269.3(ZNF644):c.3768C>T (p.Asp1256=)

Gene: ZNF644 (zinc finger protein 644; minus strand). Cytogenetic location: 1p22.2.
Variant type: single nucleotide variant.
Coding change: c.3768C>T on transcript NM_201269.3 (MANE Select); coding-DNA position 3768, C replaced by T.
Protein change: p.Asp1256=; no amino-acid change (aspartic acid 1256 retained).
Molecular consequence: synonymous variant.
Genome position (GRCh38, 1-based): chr1:90,918,075, G>A on the plus strand (C>T on the coding strand, the complement: ZNF644 is on the minus strand). VCF-style: chr1-90918075-G-A. GRCh37 (hg19) VCF-style: chr1-91383632-G-A.
Other names: c.102C>T, p.Asp34= (NM_016620.4, NM_032186.5).
Identifiers: ClinVar variation 718970 (VCV000718970.27), dbSNP rs141065187, ClinGen allele CA944750.

ClinVar aggregate classification (germline): Likely benign. Review status: criteria provided, multiple submitters, no conflicts (2 of 4 stars). 2 submissions from 2 submitters: Likely benign (2). Last evaluated 2023-01-01.

Allele frequency attached by ClinVar (database versions not stated): gnomAD 0.00073; gnomAD exomes 0.00078; TOPMed 0.00079; ExAC 0.00084; ESP Exome Variant Server 0.00154.
gnomAD v4.1: 2,037 of 1,613,836 alleles (0.13%); highest among the groups gnomAD compares: Non-Finnish European, 0.16%; 2 homozygotes.

Submissions (2):

CeGaT Center for Human Genetics Tuebingen
Classification: Likely benign. Last evaluated: 2023-01-01. Review status: criteria provided, single submitter. Criteria: CeGaT Center For Human Genetics Tuebingen Variant Classification Criteria Version 2. Collection method: clinical testing. Allele origin: germline. Affected: yes. Observed: 1 variant allele.
Comment: ZNF644: BP4, BP7

Labcorp Genetics (formerly Invitae), Labcorp
Classification: Likely benign. Last evaluated: 2018-03-29. Review status: criteria provided, single submitter. Criteria: Invitae Variant Classification Sherloc (09022015). Collection method: clinical testing. Allele origin: germline.